The following is an entry in ClinVar:

NM_001267550.2(TTN):c.915-7dup

Gene: TTN (titin; minus strand). Cytogenetic location: 2q31.2.
Variant type: Duplication.
Coding change: c.915-7dup on transcript NM_001267550.2 (MANE Select); 7 bases into the intron before coding-DNA position 915, one base duplicated (T; older notation c.915-7dupT).
Molecular consequence: intron variant.
Genome position (GRCh38, 1-based): chr2:178,795,256, A duplicated on the plus strand (T on the coding strand, the reverse complement: TTN is on the minus strand); the first of 4 consecutive A bases (chr2:178,795,256-178,795,259); duplicating any one gives the same sequence. VCF-style (leftmost placement, unchanged base first): chr2-178795255-G-GA. GRCh37 (hg19) VCF-style: chr2-179659982-G-GA.
Other names: c.915-4dupT (NM_133378.4, NM_001267550.2); c.915-7dup (NM_003319.4, NM_133437.4, NM_133432.3 and 3 more transcripts).
Identifiers: ClinVar variation 179060 (VCV000179060.20), dbSNP rs730880351, ClinGen allele CA183654.

ClinVar aggregate classification (germline): Conflicting classifications of pathogenicity. Review status: criteria provided, conflicting classifications (1 of 4 stars). 4 submissions from 4 submitters: Uncertain significance (1); Likely benign (3). Last evaluated 2026-02-16.

Conditions:
TTN-related disorder. Also called: TTN-related condition; TTN-related disease; TTN-related disorders.
Dilated cardiomyopathy 1G (CMD1G). Identifiers: Orphanet 154, MedGen C1858763, MONDO:0011400, OMIM 604145.
Autosomal recessive limb-girdle muscular dystrophy type 2J (LGMDR10). Also called: Limb-girdle muscular dystrophy, type 2J; MUSCULAR DYSTROPHY, LIMB-GIRDLE, AUTOSOMAL RECESSIVE 10. Identifiers: Orphanet 140922, MedGen C1837342, MONDO:0012127, OMIM 608807.

Submissions (4):

PreventionGenetics, part of Exact Sciences
Classification: Likely benign for TTN-related condition. Last evaluated: 2026-02-16. Review status: criteria provided, single submitter. Criteria: ACMG Guidelines, 2015. Collection method: clinical testing. Allele origin: germline.
Comment: This variant is classified as likely benign based on ACMG/AMP sequence variant interpretation guidelines (Richards et al. 2015 PMID: 25741868, with internal and published modifications).

Labcorp Genetics (formerly Invitae), Labcorp
Classification: Likely benign for Dilated cardiomyopathy 1G; Autosomal recessive limb-girdle muscular dystrophy type 2J. Last evaluated: 2026-01-16. Review status: criteria provided, single submitter. Criteria: Invitae Variant Classification Sherloc (09022015). Collection method: clinical testing. Allele origin: germline.

GeneDx
Classification: Likely benign. Last evaluated: 2018-11-05. Review status: criteria provided, single submitter. Criteria: GeneDx Variant Classification Process June 2021. Collection method: clinical testing. Allele origin: germline. Affected: yes.

Laboratory for Molecular Medicine, Mass General Brigham Personalized Medicine
Classification: Uncertain significance. Last evaluated: 2014-03-14. Review status: criteria provided, single submitter. Criteria: LMM Criteria. Collection method: clinical testing. Allele origin: germline. Observed: 1 variant allele.
Comment: The 915-4_915-3insT variant in TTN has not been reported in individuals with car diomyopathy, but has been identified in 2/8254 European American chromosomes and 1/4266 African American chromosomes by the NHLBI Exome Sequencing Project. This variant is located in the 3' splice region. Computational tools do not suggest an impact to splicing. However, this informa tion is not predictive enough to rule out pathogenicity. In summary, additional information is needed to fully assess the clinical significance of the 915-4_915 -3insT variant.